The following is an entry in ClinVar:

NM_021167.5(GATAD1):c.691A>G (p.Lys231Glu)

Gene: GATAD1 (GATA zinc finger domain containing 1; plus strand). Cytogenetic location: 7q21.2.
Variant type: single nucleotide variant.
Coding change: c.691A>G on transcript NM_021167.5 (MANE Select); coding-DNA position 691, A replaced by G.
Protein change: p.Lys231Glu; replaces lysine 231 with glutamic acid.
Molecular consequence: missense variant. On other transcripts: non-coding transcript variant (1).
Genome position (GRCh38, 1-based): chr7:92,456,443, A>G. VCF-style: chr7-92456443-A-G. GRCh37 (hg19) VCF-style: chr7-92085757-A-G.
Other names: short protein forms K231E.
Identifiers: ClinVar variation 1435533 (VCV001435533.8), dbSNP rs2115885587, ClinGen allele CA368162917.
Genomic context (GRCh38, chr7:92,456,443, plus strand): 5'-GATCTTCCAAGGAAGATGGAATACTTGGAATTTGTTTGTCATGCACCTTCTGAGTATTTC[A>G]AGTCACGGTCATCACCATTTCCCACAGTTCCCACCAGACCAGAGAAGGGCTACATATGGA-3'
Protein context (NP_066990.3, residues 221-241): FVCHAPSEYF[Lys231Glu]SRSSPFPTVP

ClinVar aggregate classification (germline): Uncertain significance (1 of 4 stars; one submission).

Conditions:
Dilated cardiomyopathy 2B. Identifiers: Orphanet 154, MedGen C3553409, MONDO:0013848, OMIM 614672.

Submission:

Labcorp Genetics (formerly Invitae), Labcorp
Classification: Uncertain significance for Dilated cardiomyopathy 2B. Last evaluated: 2021-03-10. Review status: criteria provided, single submitter. Criteria: Invitae Variant Classification Sherloc (09022015). Collection method: clinical testing. Allele origin: germline.
Comment: In summary, the available evidence is currently insufficient to determine the role of this variant in disease. Therefore, it has been classified as a Variant of Uncertain Significance. Algorithms developed to predict the effect of missense changes on protein structure and function are either unavailable or do not agree on the potential impact of this missense change (SIFT: "Tolerated"; PolyPhen-2: "Probably Damaging"; Align-GVGD: "Class C0"). This variant has not been reported in the literature in individuals with GATAD1-related conditions. This variant is not present in population databases (ExAC no frequency). This sequence change replaces lysine with glutamic acid at codon 231 of the GATAD1 protein (p.Lys231Glu). The lysine residue is highly conserved and there is a small physicochemical difference between lysine and glutamic acid.